The following is an entry in ClinVar:

ClinVar aggregate classification (germline): Uncertain significance (1 of 4 stars; one submission).

gnomAD v4.1: 1 of 1,583,568 alleles (0.000063%); highest among the groups gnomAD compares: Non-Finnish European, 0.000086%; no homozygotes.

Submission:

Labcorp Genetics (formerly Invitae), Labcorp
Classification: Uncertain significance. Last evaluated: 2025-08-06. Review status: criteria provided, single submitter. Criteria: Invitae Variant Classification Sherloc (09022015). Collection method: clinical testing. Allele origin: germline.
Comment: This sequence change replaces methionine, which is neutral and non-polar, with isoleucine, which is neutral and non-polar, at codon 729 of the TNNI3K protein (p.Met729Ile). This variant is not present in population databases (gnomAD no frequency). This variant has not been reported in the literature in individuals affected with TNNI3K-related conditions. An algorithm developed to predict the effect of missense changes on protein structure and function (PolyPhen-2) suggests that this variant is likely to be tolerated. In summary, the available evidence is currently insufficient to determine the role of this variant in disease. Therefore, it has been classified as a Variant of Uncertain Significance.

NM_015978.3(TNNI3K):c.2187G>A (p.Met729Ile)

Genes: FPGT-TNNI3K (FPGT-TNNI3K readthrough; plus strand), LRRC53 (leucine rich repeat containing 53; minus strand), TNNI3K (TNNI3 interacting kinase; plus strand). Cytogenetic location: 1p31.1.
Variant type: single nucleotide variant.
Coding change: c.2187G>A on transcript NM_015978.3 (MANE Select); coding-DNA position 2187, G replaced by A.
Protein change: p.Met729Ile; replaces methionine 729 with isoleucine.
Molecular consequence: missense variant. On other transcripts: intron variant (2).
Genome position (GRCh38, 1-based): chr1:74,492,102, G>A. VCF-style: chr1-74492102-G-A. GRCh37 (hg19) VCF-style: chr1-74957786-G-A.
Other names: c.2490G>A, p.Met830Ile (NM_001112808.3); c.-8-11134C>T (NM_001364666.2); c.-26-8727C>T (NM_001382280.1); short protein forms M830I, M729I.
Identifiers: ClinVar variation 4762377 (VCV004762377.1).
Genomic context (GRCh38, chr1:74,492,102, plus strand): 5'-GTCTTCACACCTGTTGGAAGTATTAAACAATTGAAATTGCCCCTCCTCCACTCAGCTGAT[G>A]TCTCCTGCATCAAGTAACAGCAGTGGGTCTCTCTCACCTTCTTCTTCTTCTGATTGCCTG-3'
Protein context (NP_057062.1, residues 719-739): LEECLCNIEL[Met729Ile]SPASSNSSGS